The following is an entry in ClinVar:

NM_170665.4(ATP2A2):c.2119G>C (p.Ala707Pro)

Gene: ATP2A2 (ATPase sarcoplasmic/endoplasmic reticulum Ca2+ transporting 2; plus strand). Cytogenetic location: 12q24.11.
Variant type: single nucleotide variant.
Coding change: c.2119G>C on transcript NM_170665.4 (MANE Select); coding-DNA position 2119, G replaced by C.
Protein change: p.Ala707Pro; replaces alanine 707 with proline.
Molecular consequence: missense variant.
Genome position (GRCh38, 1-based): chr12:110,342,249, G>C. VCF-style: chr12-110342249-G-C. GRCh37 (hg19) VCF-style: chr12-110780054-G-C.
Other names: c.2014G>C, p.Ala672Pro (NM_001413013.1); c.2119G>C, p.Ala707Pro (NM_001413014.1, NM_001681.4); c.1744G>C, p.Ala582Pro (NM_001413015.1); short protein forms A582P, A672P, A707P.
Identifiers: ClinVar variation 3047553 (VCV003047553.2), dbSNP rs2548563297, ClinGen allele CA386675439.

ClinVar aggregate classification (germline): Likely pathogenic (0 of 4 stars; one submission).

Conditions:
ATP2A2-related disorder. Also called: ATP2A2-related condition; ATP2A2-Related Disorders.

Submission:

PreventionGenetics, part of Exact Sciences
Classification: Likely pathogenic for ATP2A2-related condition. Last evaluated: 2023-11-30. Review status: no assertion criteria provided. Collection method: clinical testing. Allele origin: germline.
Comment: The ATP2A2 c.2119G>C variant is predicted to result in the amino acid substitution p.Ala707Pro. To our knowledge, this variant has not been reported in the literature or in a large population database, indicating this variant is rare. This variant is interpreted as likely pathogenic.